The following is an entry in ClinVar:

NM_000222.3(KIT):c.2555T>G (p.Val852Gly)

Gene: KIT (KIT proto-oncogene, receptor tyrosine kinase; plus strand). Cytogenetic location: 4q12.
Variant type: single nucleotide variant.
Coding change: c.2555T>G on transcript NM_000222.3 (MANE Select); coding-DNA position 2555, T replaced by G.
Protein change: p.Val852Gly; replaces valine 852 with glycine.
Molecular consequence: missense variant.
Genome position (GRCh38, 1-based): chr4:54,736,568, T>G. VCF-style: chr4-54736568-T-G. GRCh37 (hg19) VCF-style: chr4-55602734-T-G.
Other names: c.2543T>G, p.Val848Gly (NM_001093772.2, NM_001385292.1); c.2558T>G, p.Val853Gly (NM_001385284.1); c.2552T>G, p.Val851Gly (NM_001385285.1); c.2540T>G, p.Val847Gly (NM_001385286.1); c.2546T>G, p.Val849Gly (NM_001385288.1); c.2555T>G, p.Val852Gly (NM_001385290.1); short protein forms V849G, V851G, V847G, V852G, V848G, V853G.
Identifiers: ClinVar variation 3665445 (VCV003665445.2).

ClinVar aggregate classification (germline): Uncertain significance. Review status: criteria provided, multiple submitters, no conflicts (2 of 4 stars). 2 submissions from 2 submitters: Uncertain significance (2). Last evaluated 2025-11-20.

Conditions:
Hereditary cancer-predisposing syndrome. Also called: Neoplastic Syndromes, Hereditary; Tumor predisposition; Hereditary Cancer Syndrome; Hereditary neoplastic syndrome. Identifiers: Orphanet 140162, MedGen C0027672, MeSH D009386, MONDO:0015356.
Gastrointestinal stromal tumor. Also called: Gastrointestinal stromal tumor, somatic; Gastrointestinal stroma tumor. Identifiers: Orphanet 44890, MedGen C0238198, MeSH D046152, MONDO:0011719, OMIM 606764, HP:0100723.

Submissions (2):

Ambry Genetics
Classification: Uncertain significance for Hereditary cancer-predisposing syndrome. Last evaluated: 2025-11-20. Review status: criteria provided, single submitter. Criteria: Ambry Variant Classification Scheme 2023. Collection method: clinical testing. Allele origin: germline.
Comment: The p.V852G variant (also known as c.2555T>G), located in coding exon 18 of the KIT gene, results from a T to G substitution at nucleotide position 2555. The valine at codon 852 is replaced by glycine, an amino acid with dissimilar properties. This amino acid position is highly conserved in available vertebrate species. In addition, this alteration is predicted to be deleterious by in silico analysis. Based on the available evidence, the clinical significance of this variant remains unclear.

Labcorp Genetics (formerly Invitae), Labcorp
Classification: Uncertain significance for Gastrointestinal stromal tumor. Last evaluated: 2024-02-06. Review status: criteria provided, single submitter. Criteria: Invitae Variant Classification Sherloc (09022015). Collection method: clinical testing. Allele origin: germline.
Comment: This sequence change replaces valine, which is neutral and non-polar, with glycine, which is neutral and non-polar, at codon 852 of the KIT protein (p.Val852Gly). This variant is not present in population databases (gnomAD no frequency). This variant has not been reported in the literature in individuals affected with KIT-related conditions. An algorithm developed to predict the effect of missense changes on protein structure and function (PolyPhen-2) suggests that this variant is likely to be disruptive. In summary, the available evidence is currently insufficient to determine the role of this variant in disease. Therefore, it has been classified as a Variant of Uncertain Significance.